The following is an entry in ClinVar:

ClinVar aggregate classification (germline): Uncertain significance. Review status: criteria provided, multiple submitters, no conflicts (2 of 4 stars). 2 submissions from 2 submitters: Uncertain significance (2). Last evaluated 2025-10-07.

Conditions:
Hypertrophic cardiomyopathy. Also called: HYPERTROPHIC MYOCARDIOPATHY. Identifiers: Orphanet 217569, MedGen C0007194, MeSH D002312, MONDO:0005045, HP:0001639.

Allele frequency attached by ClinVar (database versions not stated): gnomAD 0.00001; ExAC 0.00003.
gnomAD v4.1: 10 of 1,613,740 alleles (0.00062%); highest among the groups gnomAD compares: Admixed American, 0.013%; no homozygotes.

Submissions (2):

Labcorp Genetics (formerly Invitae), Labcorp
Classification: Uncertain significance for Hypertrophic cardiomyopathy. Last evaluated: 2025-10-07. Review status: criteria provided, single submitter. Criteria: Invitae Variant Classification Sherloc (09022015). Collection method: clinical testing. Allele origin: germline.
Comment: This sequence change replaces valine, which is neutral and non-polar, with isoleucine, which is neutral and non-polar, at codon 979 of the MYOM1 protein (p.Val979Ile). This variant is present in population databases (rs764885157, gnomAD 0.01%). This variant has not been reported in the literature in individuals affected with MYOM1-related conditions. ClinVar contains an entry for this variant (Variation ID: 1485470). An algorithm developed to predict the effect of missense changes on protein structure and function (PolyPhen-2) suggests that this variant is likely to be tolerated. In summary, the available evidence is currently insufficient to determine the role of this variant in disease. Therefore, it has been classified as a Variant of Uncertain Significance.

Ambry Genetics
Classification: Uncertain significance. Last evaluated: 2025-09-05. Review status: criteria provided, single submitter. Criteria: Ambry Variant Classification Scheme 2023. Collection method: clinical testing. Allele origin: germline.

NM_003803.4(MYOM1):c.2935G>A (p.Val979Ile)

Gene: MYOM1 (myomesin 1; minus strand). Cytogenetic location: 18p11.31.
Variant type: single nucleotide variant.
Coding change: c.2935G>A on transcript NM_003803.4 (MANE Select); coding-DNA position 2935, G replaced by A.
Protein change: p.Val979Ile; replaces valine 979 with isoleucine.
Molecular consequence: missense variant.
Genome position (GRCh38, 1-based): chr18:3,126,757, C>T on the plus strand (G>A on the coding strand, the complement: MYOM1 is on the minus strand). VCF-style: chr18-3126757-C-T. GRCh37 (hg19) VCF-style: chr18-3126755-C-T.
Other names: c.2647G>A, p.Val883Ile (NM_019856.2); c.2935G>A (NM_003803.3); short protein forms V883I, V979I.
Identifiers: ClinVar variation 1485470 (VCV001485470.8), dbSNP rs764885157, ClinGen allele CA8874492.
Genomic context (GRCh38, chr18:3,126,757, plus strand): 5'-TTACCTTGTATGCCTCCTCACTGACAGCCTTGACATTGGCTTCTCTCCATTTTCCTGGTA[C>T]CCCATCAATGACCTCGCGATAGTTCACATAATAGCCAGTAATTTCTGCCCCTCCAATCTT-3'
Protein context (NP_003794.3, residues 969-989): YVNYREVIDG[Val979Ile]PGKWREANVK